The following is an entry in ClinVar:

NM_007294.4(BRCA1):c.484G>C (p.Val162Leu)

Gene: BRCA1 (BRCA1 DNA repair associated; minus strand). Cytogenetic location: 17q21.31.
Variant type: single nucleotide variant.
Coding change: c.484G>C on transcript NM_007294.4 (MANE Select); coding-DNA position 484, G replaced by C.
Protein change: p.Val162Leu; replaces valine 162 with leucine.
Molecular consequence: missense variant. On other transcripts: non-coding transcript variant (1).
Genome position (GRCh38, 1-based): chr17:43,099,838, C>G on the plus strand (G>C on the coding strand, the complement: BRCA1 is on the minus strand). VCF-style: chr17-43099838-C-G. GRCh37 (hg19) VCF-style: chr17-41251855-C-G.
Other names: c.274G>C, p.Val92Leu (NM_001407889.1, NM_001407900.1, NM_001407902.1 and 37 more transcripts); c.271G>C, p.Val91Leu (NM_001407894.1, NM_001407895.1, NM_001407896.1 and 18 more transcripts); c.484G>C, p.Val162Leu (NM_001407919.1, NM_001407937.1, NM_001407938.1 and 97 more transcripts); c.343G>C, p.Val115Leu (NM_001407920.1, NM_001407921.1, NM_001407922.1 and 61 more transcripts); c.340G>C, p.Val114Leu (NM_001407930.1, NM_001407931.1, NM_001407932.1 and 35 more transcripts); c.481G>C, p.Val161Leu (NM_001407940.1, NM_001407941.1, NM_001407972.1 and 65 more transcripts); c.103G>C, p.Val35Leu (NM_001407959.1, NM_001407960.1, NM_001407963.1 and 3 more transcripts); c.100G>C, p.Val34Leu (NM_001407962.1); and 4 more; short protein forms V162L, V115L, V114L, V135L, V161L, V92L, V117L, V136L.
Identifiers: ClinVar variation 55303 (VCV000055303.27), dbSNP rs55816927, ClinGen allele CA003052.

ClinVar aggregate classification (germline): Conflicting classifications of pathogenicity. Review status: criteria provided, conflicting classifications (1 of 4 stars). 9 submissions from 9 submitters: Uncertain significance (6); Likely benign (1). 2 of the submissions do not count toward it. Last evaluated 2025-10-15.

Conditions:
Hereditary cancer-predisposing syndrome. Also called: Hereditary Cancer Syndrome; Hereditary neoplastic syndrome; Neoplastic Syndromes, Hereditary; Tumor predisposition. Identifiers: Orphanet 140162, MedGen C0027672, MeSH D009386, MONDO:0015356.
Hereditary breast ovarian cancer syndrome. Also called: BRCA1- and BRCA2-Associated Hereditary Breast and Ovarian Cancer; Hereditary breast and ovarian cancer syndrome; Hereditary breast and ovarian cancer syndrome (HBOC); Breast and ovarian cancer; Hereditary breast and/or ovarian cancer syndrome; Hereditary breast and ovarian cancer. Identifiers: Orphanet 145, MedGen C0677776, MeSH D061325, MONDO:0003582. Disease mechanism: loss of function.
BRCA1-related cancer predisposition. Identifiers: MedGen CN377757, MONDO:0700268.
Breast-ovarian cancer, familial, susceptibility to, 1 (BROVCA1). Also called: BRCA1 Hereditary Breast and Ovarian Cancer; OVARIAN CANCER, SUSCEPTIBILITY TO. Identifiers: Orphanet 145, MedGen C2676676, MONDO:0011450, OMIM 604370. Disease mechanism: loss of function.

Allele frequency attached by ClinVar (database versions not stated): gnomAD exomes 0.00001 and below 0.00001; gnomAD 0.00001; TOPMed 0.00001.
gnomAD v4.1: 6 of 1,613,808 alleles (0.00037%); highest among the groups gnomAD compares: African/African-American, 0.0013%; no homozygotes.

Submissions (9):

Labcorp Genetics (formerly Invitae), Labcorp
Classification: Uncertain significance for Hereditary breast ovarian cancer syndrome. Last evaluated: 2025-10-15. Review status: criteria provided, single submitter. Criteria: Invitae Variant Classification Sherloc (09022015). Collection method: clinical testing. Allele origin: germline.
Comment: This sequence change replaces valine, which is neutral and non-polar, with leucine, which is neutral and non-polar, at codon 162 of the BRCA1 protein (p.Val162Leu). This variant is present in population databases (rs55816927, gnomAD 0.0009%). This variant has not been reported in the literature in individuals affected with BRCA1-related conditions. ClinVar contains an entry for this variant (Variation ID: 55303). Invitae Evidence Modeling of protein sequence and biophysical properties (such as structural, functional, and spatial information, amino acid conservation, physicochemical variation, residue mobility, and thermodynamic stability) indicates that this missense variant is not expected to disrupt BRCA1 protein function with a negative predictive value of 80%. In summary, the available evidence is currently insufficient to determine the role of this variant in disease. Therefore, it has been classified as a Variant of Uncertain Significance.

Women's Health and Genetics/Laboratory Corporation of America, LabCorp
Classification: Uncertain significance. Last evaluated: 2025-07-18. Review status: criteria provided, single submitter. Criteria: LabCorp Variant Classification Summary - May 2015. Collection method: clinical testing. Allele origin: germline.
Comment: Variant summary: BRCA1 c.484G>C (p.Val162Leu) results in a conservative amino acid change in the encoded protein sequence. Algorithms developed to predict the effect of missense changes on protein structure and function are either unavailable or do not agree on the potential impact of this missense change. The variant allele was found at a frequency of 4e-06 in 251464 control chromosomes. The available data on variant occurrences in the general population are insufficient to allow any conclusion about variant significance. To our knowledge, no occurrence of c.484G>C in individuals affected with Hereditary Breast And Ovarian Cancer Syndrome and no experimental evidence demonstrating its impact on protein function have been reported. ClinVar contains an entry for this variant (Variation ID: 55303). Based on the evidence outlined above, the variant was classified as uncertain significance.

Quest Diagnostics Nichols Institute San Juan Capistrano
Classification: Uncertain significance. Last evaluated: 2024-05-06. Review status: criteria provided, single submitter. Criteria: Quest Diagnostics criteria. Collection method: clinical testing. Allele origin: unknown.
Comment: The BRCA1 c.484G>C (p.Val162Leu) variant has not been reported in the published literature. The frequency of this variant in the general population, 0.000004 (1/251464 chromosomes (Genome Aggregation Database)), is uninformative in the assessment of its pathogenicity. Analysis of this variant using bioinformatics tools for the prediction of the effect of amino acid changes on protein structure and function yielded predictions that this variant is benign. Based on the available information, we are unable to determine the clinical significance of this variant.

All of Us Research Program, National Institutes of Health
Classification: Uncertain significance for BRCA1-related cancer predisposition. Last evaluated: 2024-03-14. Review status: criteria provided, single submitter. Criteria: ACMG Guidelines, 2015. Collection method: clinical testing. Allele origin: germline. Inheritance: Autosomal dominant inheritance. Observed: 2 variant alleles, 2 heterozygotes.
Comment: This missense variant replaces valine with leucine at codon 162 of the BRCA1 protein. Computational prediction is inconclusive regarding the impact of this variant on protein structure and function (internally defined REVEL score threshold 0.5 < inconclusive < 0.7, PMID: 27666373). To our knowledge, functional studies have not been reported for this variant. This variant has not been reported in individuals affected with hereditary cancer in the literature. This variant has been identified in 1/251464 chromosomes in the general population by the Genome Aggregation Database (gnomAD). The available evidence is insufficient to determine the role of this variant in disease conclusively. Therefore, this variant is classified as a Variant of Uncertain Significance.

This study involves interpretation of variants in research participants for the purpose of population health screening. Participant phenotype was not available at the time of variant classification. Additional details can be found in publication PMID: 35346344, PMCID: PMC8962531

Color Diagnostics, LLC DBA Color Health
Classification: Uncertain significance for Hereditary cancer-predisposing syndrome. Last evaluated: 2024-02-02. Review status: criteria provided, single submitter. Criteria: ACMG Guidelines, 2015. Collection method: clinical testing. Allele origin: germline.
Comment: This missense variant replaces valine with leucine at codon 162 of the BRCA1 protein. Computational prediction is inconclusive regarding the impact of this variant on protein structure and function. To our knowledge, functional studies have not been reported for this variant. This variant has not been reported in individuals affected with BRCA1-related disorders in the literature. This variant has been identified in 1/251464 chromosomes in the general population by the Genome Aggregation Database (gnomAD). The available evidence is insufficient to determine the role of this variant in disease conclusively. Therefore, this variant is classified as a Variant of Uncertain Significance.

GeneDx
Classification: Uncertain significance. Last evaluated: 2023-07-27. Review status: criteria provided, single submitter. Criteria: GeneDx Variant Classification Process June 2021. Collection method: clinical testing. Allele origin: germline. Affected: yes.
Comment: Not observed at significant frequency in large population cohorts (gnomAD); In silico analysis supports that this missense variant does not alter protein structure/function; Has not been previously published as pathogenic or benign to our knowledge; Also known as 603G>C; This variant is associated with the following publications: (PMID: 15385441)

Ambry Genetics
Classification: Likely benign for Hereditary cancer-predisposing syndrome. Last evaluated: 2019-02-26. Review status: criteria provided, single submitter. Criteria: Ambry Variant Classification Scheme 2023. Collection method: clinical testing. Allele origin: germline.

Counsyl
Classification: Uncertain significance for Breast-ovarian cancer, familial, susceptibility to, 1. Last evaluated: 2017-08-15. Review status: no assertion criteria provided. Collection method: clinical testing. Allele origin: unknown. Not counted in ClinVar's aggregate classification.

Breast Cancer Information Core (BIC) (BRCA1)
Classification: Uncertain significance for Breast-ovarian cancer, familial 1. Last evaluated: 2003-12-23. Review status: no assertion criteria provided. Collection method: clinical testing. Allele origin: germline. Affected: yes. Observed: 1 variant allele. Not counted in ClinVar's aggregate classification.